The following is an entry in ClinVar:

NM_001242896.3(DEPDC5):c.1910G>A (p.Arg637Gln)

Gene: DEPDC5 (DEP domain containing 5, GATOR1 subcomplex subunit; plus strand). Cytogenetic location: 22q12.3.
Variant type: single nucleotide variant.
Coding change: c.1910G>A on transcript NM_001242896.3 (MANE Select); coding-DNA position 1910, G replaced by A.
Protein change: p.Arg637Gln; replaces arginine 637 with glutamine.
Molecular consequence: missense variant. On other transcripts: non-coding transcript variant (4), intron variant (3).
Genome position (GRCh38, 1-based): chr22:31,821,541, G>A. VCF-style: chr22-31821541-G-A. GRCh37 (hg19) VCF-style: chr22-32217527-G-A.
Other names: c.1910G>A, p.Arg637Gln (NM_001136029.4, NM_001363852.2, NM_001364318.2 and 3 more transcripts); c.1826G>A, p.Arg609Gln (NM_001369901.1, NM_001369902.1); c.1870+2316G>A (NM_001363854.2, NM_001242897.2, NM_001364319.2); short protein forms R609Q, R637Q.
Identifiers: ClinVar variation 648383 (VCV000648383.11), dbSNP rs751767527, ClinGen allele CA10196498.

ClinVar aggregate classification (germline): Uncertain significance. Review status: criteria provided, multiple submitters, no conflicts (2 of 4 stars). 2 submissions from 2 submitters: Uncertain significance (2). Last evaluated 2024-10-06.

Conditions:
Familial focal epilepsy with variable foci (FPEVF). Identifiers: Orphanet 98820, MedGen C1858477, MONDO:0020310.

Allele frequency attached by ClinVar (database versions not stated): TOPMed 0.00002.
gnomAD v4.1: 22 of 1,614,064 alleles (0.0014%); highest among the groups gnomAD compares: Admixed American, 0.013%; no homozygotes.

Submissions (2):

Labcorp Genetics (formerly Invitae), Labcorp
Classification: Uncertain significance for Familial focal epilepsy with variable foci. Last evaluated: 2024-10-06. Review status: criteria provided, single submitter. Criteria: Invitae Variant Classification Sherloc (09022015). Collection method: clinical testing. Allele origin: germline.
Comment: This sequence change replaces arginine, which is basic and polar, with glutamine, which is neutral and polar, at codon 637 of the DEPDC5 protein (p.Arg637Gln). This variant is present in population databases (rs751767527, gnomAD 0.02%). This variant has not been reported in the literature in individuals affected with DEPDC5-related conditions. ClinVar contains an entry for this variant (Variation ID: 648383). Experimental studies and prediction algorithms are not available or were not evaluated, and the functional significance of this variant is currently unknown. In summary, the available evidence is currently insufficient to determine the role of this variant in disease. Therefore, it has been classified as a Variant of Uncertain Significance.

Revvity Omics, Revvity
Classification: Uncertain significance. Last evaluated: 2021-04-02. Review status: criteria provided, single submitter. Criteria: ACMG Guidelines, 2015. Collection method: clinical testing. Allele origin: germline.